The following is an entry in ClinVar:

NM_021625.5(TRPV4):c.1570T>G (p.Phe524Val)

Gene: TRPV4 (transient receptor potential cation channel subfamily V member 4; minus strand). Cytogenetic location: 12q24.11.
Variant type: single nucleotide variant.
Coding change: c.1570T>G on transcript NM_021625.5 (MANE Select); coding-DNA position 1570, T replaced by G.
Protein change: p.Phe524Val; replaces phenylalanine 524 with valine.
Molecular consequence: missense variant.
Genome position (GRCh38, 1-based): chr12:109,793,944, A>C on the plus strand (T>G on the coding strand, the complement: TRPV4 is on the minus strand). VCF-style: chr12-109793944-A-C. GRCh37 (hg19) VCF-style: chr12-110231749-A-C.
Other names: c.1390T>G, p.Phe464Val (NM_147204.3); c.1429T>G, p.Phe477Val (NM_001177428.2); c.1468T>G, p.Phe490Val (NM_001177431.2); c.1249T>G, p.Phe417Val (NM_001177433.2); short protein forms F490V, F524V, F464V, F477V, F417V.
Identifiers: ClinVar variation 155732 (VCV000155732.2), dbSNP rs587777890, ClinGen allele CA233058.

ClinVar aggregate classification (germline): Benign (0 of 4 stars; one submission).

Allele frequency attached by ClinVar (database versions not stated): gnomAD exomes below 0.00001.
gnomAD v4.1: 1 of 1,609,668 alleles (0.000062%); highest among the groups gnomAD compares: Non-Finnish European, 0.000085%; no homozygotes.

Submission:

Northcott Neuroscience Laboratory, ANZAC Research Institute
Classification: Benign. Review status: no assertion criteria provided. Collection method: not provided. Allele origin: unknown.
Comment: Intermediate CMT
ClinVar note: Converted during submission from non-pathogenic to Benign.